The following is an entry in ClinVar:

NM_000391.4(TPP1):c.1303C>G (p.His435Asp)

Gene: TPP1 (tripeptidyl peptidase 1; minus strand). Cytogenetic location: 11p15.4.
Variant type: single nucleotide variant.
Coding change: c.1303C>G on transcript NM_000391.4 (MANE Select); coding-DNA position 1303, C replaced by G.
Protein change: p.His435Asp; replaces histidine 435 with aspartic acid.
Molecular consequence: missense variant.
Genome position (GRCh38, 1-based): chr11:6,615,293, G>C on the plus strand (C>G on the coding strand, the complement: TPP1 is on the minus strand). VCF-style: chr11-6615293-G-C. GRCh37 (hg19) VCF-style: chr11-6636524-G-C.
Other names: p.H435D:CAC>GAC; short protein forms H435D.
Identifiers: ClinVar variation 207601 (VCV000207601.8), dbSNP rs755829911, ClinGen allele CA319227.

ClinVar aggregate classification (germline): Uncertain significance. Review status: criteria provided, multiple submitters, no conflicts (2 of 4 stars). 3 submissions from 3 submitters: Uncertain significance (2). 1 of the submissions does not count toward it. Last evaluated 2021-08-27.

Conditions:
Neuronal ceroid lipofuscinosis 2. Also called: JANSKY-BIELSCHOWSKY DISEASE NEURONAL CEROID LIPOFUSCINOSIS, LATE INFANTILE; TPP1-Related Neuronal Ceroid-Lipofuscinosis. Identifiers: Orphanet 168491, Orphanet 228349, Orphanet 79264, MedGen C1876161, MONDO:0008769, OMIM 204500.

gnomAD v4.1: 4 of 1,614,198 alleles (0.00025%); highest among the groups gnomAD compares: Admixed American, 0.005%; no homozygotes.

Submissions (3):

Labcorp Genetics (formerly Invitae), Labcorp
Classification: Uncertain significance. Last evaluated: 2021-08-27. Review status: criteria provided, single submitter. Criteria: Invitae Variant Classification Sherloc (09022015). Collection method: clinical testing. Allele origin: germline.

GeneDx
Classification: Uncertain significance. Last evaluated: 2014-09-22. Review status: criteria provided, single submitter. Criteria: GeneDx Variant Classification (06012015). Collection method: clinical testing. Allele origin: germline. Affected: yes.
Comment: p.His435Asp (CAC>GAC): c.1303 C>G in exon 11 of the TPP1 gene (NM_000391.3) The H435D variant has not been published as a mutation, nor has it been reported as a benign polymorphism to our knowledge. It was not observed in approximately 6,500 individuals of European and African American ancestry in the NHLBI Exome Sequencing Project, indicating it is not a common benign variant in these populations. The H435D variant is a non-conservative amino acid substitution, which is likely to impact secondary protein structure as these residues differ in polarity, charge, size and/or other properties. However, this substitution occurs at a position that is not conserved across species, and in silico analysis predicts this variant likely does not alter the protein structure/function. Therefore, based on the currently available information, it is unclear whether this variant is a pathogenic mutation or a rare benign variant.The variant is found in CHILD-EPI panel(s).

Natera, Inc.
Classification: Uncertain significance for Neuronal ceroid lipofuscinosis 2. Last evaluated: 2021-01-28. Review status: no assertion criteria provided. Collection method: clinical testing. Allele origin: germline. Not counted in ClinVar's aggregate classification.